The following is an entry in ClinVar:

ClinVar aggregate classification (germline): Uncertain significance. Review status: criteria provided, multiple submitters, no conflicts (2 of 4 stars). 4 submissions from 4 submitters: Uncertain significance (4). Last evaluated 2025-10-24.

Conditions:
ALK-related disorder. Also called: ALK-related condition.
Hereditary cancer-predisposing syndrome. Also called: Tumor predisposition; Hereditary neoplastic syndrome; Neoplastic Syndromes, Hereditary; Hereditary Cancer Syndrome. Identifiers: Orphanet 140162, MedGen C0027672, MeSH D009386, MONDO:0015356.
Neuroblastoma, susceptibility to, 3. Also called: ALK-Related Neuroblastic Tumor Susceptibility. Identifiers: Orphanet 635, MedGen C2751681, MONDO:0013083, OMIM 613014.

Allele frequency attached by ClinVar (database versions not stated): ExAC 0.00002; gnomAD 0.00002; gnomAD exomes 0.00002; TOPMed 0.00002; ESP Exome Variant Server 0.00015.
gnomAD v4.1: 6 of 1,614,082 alleles (0.00037%); highest among the groups gnomAD compares: African/African-American, 0.004%; no homozygotes.

Submissions (4):

Labcorp Genetics (formerly Invitae), Labcorp
Classification: Uncertain significance for Neuroblastoma, susceptibility to, 3. Last evaluated: 2025-10-24. Review status: criteria provided, single submitter. Criteria: Invitae Variant Classification Sherloc (09022015). Collection method: clinical testing. Allele origin: germline.
Comment: This sequence change replaces arginine, which is basic and polar, with cysteine, which is neutral and slightly polar, at codon 1575 of the ALK protein (p.Arg1575Cys). This variant is present in population databases (rs148351049, gnomAD 0.01%). This variant has not been reported in the literature in individuals affected with ALK-related conditions. ClinVar contains an entry for this variant (Variation ID: 1377825). An algorithm developed to predict the effect of missense changes on protein structure and function (PolyPhen-2) suggests that this variant is likely to be disruptive. In summary, the available evidence is currently insufficient to determine the role of this variant in disease. Therefore, it has been classified as a Variant of Uncertain Significance.

Ambry Genetics
Classification: Uncertain significance for Hereditary cancer-predisposing syndrome. Last evaluated: 2025-05-13. Review status: criteria provided, single submitter. Criteria: Ambry Variant Classification Scheme 2023. Collection method: clinical testing. Allele origin: germline.
Comment: The p.R1575C variant (also known as c.4723C>T), located in coding exon 29 of the ALK gene, results from a C to T substitution at nucleotide position 4723. The arginine at codon 1575 is replaced by cysteine, an amino acid with highly dissimilar properties. This amino acid position is highly conserved in available vertebrate species. In addition, the in silico prediction for this alteration is inconclusive. Based on the available evidence, the clinical significance of this variant remains unclear.

PreventionGenetics, part of Exact Sciences
Classification: Uncertain significance for ALK-related condition. Last evaluated: 2023-01-31. Review status: criteria provided, single submitter. Criteria: ACMG Guidelines, 2015. Collection method: clinical testing. Allele origin: germline.
Comment: The ALK c.4723C>T variant is predicted to result in the amino acid substitution p.Arg1575Cys. To our knowledge, this variant has not been reported in the literature. This variant is reported in 0.018% of alleles in individuals of African descent in gnomAD. In ClinVar, this variant is interpreted as uncertain. At this time, the clinical significance of this variant is uncertain due to the absence of conclusive functional and genetic evidence.

GeneDx
Classification: Uncertain significance. Last evaluated: 2023-01-24. Review status: criteria provided, single submitter. Criteria: GeneDx Variant Classification Process June 2021. Collection method: clinical testing. Allele origin: germline. Affected: yes.
Comment: Not observed at significant frequency in large population cohorts (gnomAD); In silico analysis supports that this missense variant has a deleterious effect on protein structure/function; Has not been previously published as pathogenic or benign to our knowledge

NM_004304.5(ALK):c.4723C>T (p.Arg1575Cys)

Gene: ALK (ALK receptor tyrosine kinase; minus strand). Cytogenetic location: 2p23.2.
Variant type: single nucleotide variant.
Coding change: c.4723C>T on transcript NM_004304.5 (MANE Select); coding-DNA position 4723, C replaced by T.
Protein change: p.Arg1575Cys; replaces arginine 1575 with cysteine.
Molecular consequence: missense variant.
Genome position (GRCh38, 1-based): chr2:29,193,364, G>A on the plus strand (C>T on the coding strand, the complement: ALK is on the minus strand). VCF-style: chr2-29193364-G-A. GRCh37 (hg19) VCF-style: chr2-29416230-G-A.
Other names: c.1519C>T, p.Arg507Cys (NM_001353765.2); short protein forms R1575C, R507C.
Identifiers: ClinVar variation 1377825 (VCV001377825.12), dbSNP rs148351049, ClinGen allele CA1593505.